The following is an entry in ClinVar:

NM_001128228.3(TPRN):c.1240C>T (p.Gln414Ter)

Gene: TPRN (taperin; minus strand). Cytogenetic location: 9q34.3.
Variant type: single nucleotide variant.
Coding change: c.1240C>T on transcript NM_001128228.3 (MANE Select); coding-DNA position 1240, C replaced by T.
Protein change: p.Gln414Ter; replaces glutamine 414 with a stop codon.
Molecular consequence: nonsense.
Genome position (GRCh38, 1-based): chr9:137,199,472, G>A on the plus strand (C>T on the coding strand, the complement: TPRN is on the minus strand). VCF-style: chr9-137199472-G-A. GRCh37 (hg19) VCF-style: chr9-140093924-G-A.
Other names: short protein forms Q414*.
Identifiers: ClinVar variation 4082578 (VCV004082578.2).

ClinVar aggregate classification (germline): Pathogenic. Review status: criteria provided, multiple submitters, no conflicts (2 of 4 stars). 2 submissions from 2 submitters: Pathogenic (2). Last evaluated 2025-09-13.

gnomAD v4.1: 3 of 1,599,132 alleles (0.00019%); highest among the groups gnomAD compares: Non-Finnish European, 0.00017%; no homozygotes.

Submissions (2):

GeneDx
Classification: Pathogenic. Last evaluated: 2025-09-13. Review status: criteria provided, single submitter. Criteria: GeneDx Variant Classification Process June 2021. Collection method: clinical testing. Allele origin: germline. Affected: yes.
Comment: Nonsense variant predicted to result in protein truncation or nonsense mediated decay in a gene for which loss of function is a known mechanism of disease; Not observed at significant frequency in large population cohorts (gnomAD); Has not been previously published as pathogenic or benign to our knowledge

Labcorp Genetics (formerly Invitae), Labcorp
Classification: Pathogenic. Last evaluated: 2025-03-31. Review status: criteria provided, single submitter. Criteria: Invitae Variant Classification Sherloc (09022015). Collection method: clinical testing. Allele origin: germline.
Comment: This sequence change creates a premature translational stop signal (p.Gln414*) in the TPRN gene. It is expected to result in an absent or disrupted protein product. Loss-of-function variants in TPRN are known to be pathogenic (PMID: 20170898, 20170899). The frequency data for this variant in the population databases is considered unreliable, as metrics indicate poor data quality at this position in the gnomAD database. This variant has not been reported in the literature in individuals affected with TPRN-related conditions. For these reasons, this variant has been classified as Pathogenic.

Literature cited by the submitters: PubMed 20170898 (cited by Labcorp Genetics (formerly Invitae), Labcorp); PubMed 20170899 (cited by Labcorp Genetics (formerly Invitae), Labcorp).